The following is an entry in ClinVar:

ClinVar aggregate classification (germline): Uncertain significance (1 of 4 stars; one submission).

Submission:

Labcorp Genetics (formerly Invitae), Labcorp
Classification: Uncertain significance. Last evaluated: 2025-09-22. Review status: criteria provided, single submitter. Criteria: Invitae Variant Classification Sherloc (09022015). Collection method: clinical testing. Allele origin: germline.
Comment: This sequence change replaces lysine, which is basic and polar, with arginine, which is basic and polar, at codon 788 of the DDX58 protein (p.Lys788Arg). This variant is not present in population databases (gnomAD no frequency). This variant has not been reported in the literature in individuals affected with DDX58-related conditions. Invitae Evidence Modeling of protein sequence and biophysical properties (such as structural, functional, and spatial information, amino acid conservation, physicochemical variation, residue mobility, and thermodynamic stability) indicates that this missense variant is not expected to disrupt DDX58 protein function with a negative predictive value of 80%. Experimental studies have shown that this missense change affects DDX58 function (PMID: 23950712). In summary, the available evidence is currently insufficient to determine the role of this variant in disease. Therefore, it has been classified as a Variant of Uncertain Significance.

Literature cited by the submitters: PubMed 23950712.

NM_014314.4(RIGI):c.2363A>G (p.Lys788Arg)

Genes: RIGI (RNA sensor RIG-I; minus strand), LOC101060445 (uncharacterized LOC101060445; plus strand). Cytogenetic location: 9p21.1.
Variant type: single nucleotide variant.
Coding change: c.2363A>G on transcript NM_014314.4 (MANE Select); coding-DNA position 2363, A replaced by G.
Protein change: p.Lys788Arg; replaces lysine 788 with arginine.
Molecular consequence: missense variant. On other transcripts: non-coding transcript variant (1).
Genome position (GRCh38, 1-based): chr9:32,459,489, T>C on the plus strand (A>G on the coding strand, the complement: RIGI is on the minus strand). VCF-style: chr9-32459489-T-C. GRCh37 (hg19) VCF-style: chr9-32459487-T-C.
Other names: c.2357A>G, p.Lys786Arg (NM_001385907.1); c.2192A>G, p.Lys731Arg (NM_001385909.1); c.1922A>G, p.Lys641Arg (NM_001385910.1); c.1754A>G, p.Lys585Arg (NM_001385912.1); c.2348A>G, p.Lys783Arg (NM_001385913.1); c.1919A>G, p.Lys640Arg (NM_001385914.1); short protein forms K783R, K786R, K788R, K641R, K731R, K585R, K640R.
Identifiers: ClinVar variation 4693088 (VCV004693088.1).
Genomic context (GRCh38, chr9:32,459,489, plus strand): 5'-AGTTTTTTATTTTCCTTATCAGGTACAGGTTTTGGTTTTTCTTGACTATCTCTGATGAAT[T>C]TTTCATGAGTCTGTATATGCAGAATCTAATGCAAAAAGAAAGACCGCAAATGTAATTTGA-3'
Protein context (NP_055129.2, residues 778-798): EKILHIQTHE[Lys788Arg]FIRDSQEKPK